The following is an entry in ClinVar:

NM_006231.4(POLE):c.2309G>C (p.Gly770Ala)

Gene: POLE (DNA polymerase epsilon, catalytic subunit; minus strand). Cytogenetic location: 12q24.33.
Variant type: single nucleotide variant.
Coding change: c.2309G>C on transcript NM_006231.4 (MANE Select); coding-DNA position 2309, G replaced by C.
Protein change: p.Gly770Ala; replaces glycine 770 with alanine.
Molecular consequence: missense variant.
Genome position (GRCh38, 1-based): chr12:132,667,513, C>G on the plus strand (G>C on the coding strand, the complement: POLE is on the minus strand). VCF-style: chr12-132667513-C-G. GRCh37 (hg19) VCF-style: chr12-133244099-C-G.
Other names: short protein forms G770A.
Identifiers: ClinVar variation 1897001 (VCV001897001.5), dbSNP rs1555227087, ClinGen allele CA387352084.

ClinVar aggregate classification (germline): Uncertain significance (1 of 4 stars; one submission).

Submission:

Labcorp Genetics (formerly Invitae), Labcorp
Classification: Uncertain significance. Last evaluated: 2025-10-23. Review status: criteria provided, single submitter. Criteria: Invitae Variant Classification Sherloc (09022015). Collection method: clinical testing. Allele origin: germline.
Comment: This sequence change replaces glycine, which is neutral and non-polar, with alanine, which is neutral and non-polar, at codon 770 of the POLE protein (p.Gly770Ala). This variant is not present in population databases (gnomAD no frequency). This variant has not been reported in the literature in individuals affected with POLE-related conditions. ClinVar contains an entry for this variant (Variation ID: 1897001). Invitae Evidence Modeling of protein sequence and biophysical properties (such as structural, functional, and spatial information, amino acid conservation, physicochemical variation, residue mobility, and thermodynamic stability) indicates that this missense variant is not expected to disrupt POLE protein function with a negative predictive value of 80%. In summary, the available evidence is currently insufficient to determine the role of this variant in disease. Therefore, it has been classified as a Variant of Uncertain Significance.